The following is an entry in ClinVar:

NM_006206.6(PDGFRA):c.2207A>C (p.Gln736Pro)

Gene: PDGFRA (platelet derived growth factor receptor alpha; plus strand). Cytogenetic location: 4q12.
Variant type: single nucleotide variant.
Coding change: c.2207A>C on transcript NM_006206.6 (MANE Select); coding-DNA position 2207, A replaced by C.
Protein change: p.Gln736Pro; replaces glutamine 736 with proline.
Molecular consequence: missense variant.
Genome position (GRCh38, 1-based): chr4:54,280,366, A>C. VCF-style: chr4-54280366-A-C. GRCh37 (hg19) VCF-style: chr4-55146533-A-C.
Other names: c.2207A>C, p.Gln736Pro (NM_001347827.2, NM_001347829.2); c.2282A>C, p.Gln761Pro (NM_001347828.2); c.2246A>C, p.Gln749Pro (NM_001347830.2); short protein forms Q736P, Q749P, Q761P.
Identifiers: ClinVar variation 1009850 (VCV001009850.17), dbSNP rs1724004363, ClinGen allele CA356894309.

ClinVar aggregate classification (germline): Uncertain significance. Review status: criteria provided, multiple submitters, no conflicts (2 of 4 stars). 2 submissions from 2 submitters: Uncertain significance (2). Last evaluated 2025-05-10.

Conditions:
Hereditary cancer-predisposing syndrome. Also called: Neoplastic Syndromes, Hereditary; Hereditary Cancer Syndrome; Hereditary neoplastic syndrome; Tumor predisposition. Identifiers: Orphanet 140162, MedGen C0027672, MeSH D009386, MONDO:0015356.
Gastrointestinal stromal tumor. Also called: Gastrointestinal stromal tumor, somatic; Gastrointestinal stroma tumor. Identifiers: Orphanet 44890, MedGen C0238198, MeSH D046152, MONDO:0011719, OMIM 606764, HP:0100723.

gnomAD v4.1: 3 of 1,613,120 alleles (0.00019%); no homozygotes.

Submissions (2):

Ambry Genetics
Classification: Uncertain significance for Hereditary cancer-predisposing syndrome. Last evaluated: 2025-05-10. Review status: criteria provided, single submitter. Criteria: Ambry Variant Classification Scheme 2023. Collection method: clinical testing. Allele origin: germline.
Comment: The p.Q736P variant (also known as c.2207A>C), located in coding exon 15 of the PDGFRA gene, results from an A to C substitution at nucleotide position 2207. The glutamine at codon 736 is replaced by proline, an amino acid with similar properties. This amino acid position is conserved. In addition, this alteration is predicted to be deleterious by in silico analysis. Since supporting evidence is limited at this time, the clinical significance of this alteration remains unclear.

Labcorp Genetics (formerly Invitae), Labcorp
Classification: Uncertain significance for Gastrointestinal stromal tumor. Last evaluated: 2023-02-27. Review status: criteria provided, single submitter. Criteria: Invitae Variant Classification Sherloc (09022015). Collection method: clinical testing. Allele origin: germline.
Comment: This variant has not been reported in the literature in individuals affected with PDGFRA-related conditions. ClinVar contains an entry for this variant (Variation ID: 1009850). Advanced modeling of protein sequence and biophysical properties (such as structural, functional, and spatial information, amino acid conservation, physicochemical variation, residue mobility, and thermodynamic stability) has been performed at Invitae for this missense variant, however the output from this modeling did not meet the statistical confidence thresholds required to predict the impact of this variant on PDGFRA protein function. In summary, the available evidence is currently insufficient to determine the role of this variant in disease. Therefore, it has been classified as a Variant of Uncertain Significance. This sequence change replaces glutamine, which is neutral and polar, with proline, which is neutral and non-polar, at codon 736 of the PDGFRA protein (p.Gln736Pro). This variant is not present in population databases (gnomAD no frequency).